The following is an entry in ClinVar:

NM_002742.3(PRKD1):c.890A>G (p.Gln297Arg)

Gene: PRKD1 (protein kinase D1; minus strand). Cytogenetic location: 14q12.
Variant type: single nucleotide variant.
Coding change: c.890A>G on transcript NM_002742.3 (MANE Select); coding-DNA position 890, A replaced by G.
Protein change: p.Gln297Arg; replaces glutamine 297 with arginine.
Molecular consequence: missense variant.
Genome position (GRCh38, 1-based): chr14:29,638,711, T>C on the plus strand (A>G on the coding strand, the complement: PRKD1 is on the minus strand). VCF-style: chr14-29638711-T-C. GRCh37 (hg19) VCF-style: chr14-30107917-T-C.
Other names: c.914A>G, p.Gln305Arg (NM_001330069.2); c.626A>G, p.Gln209Arg (NM_001348390.1); short protein forms Q209R, Q297R, Q305R.
Identifiers: ClinVar variation 3346205 (VCV003346205.1).

ClinVar aggregate classification (germline): Uncertain significance (0 of 4 stars; one submission).

Conditions:
PRKD1-related disorder. Also called: PRKD1-related condition.

Submission:

PreventionGenetics, part of Exact Sciences
Classification: Uncertain significance for PRKD1-related condition. Last evaluated: 2024-09-11. Review status: no assertion criteria provided. Collection method: clinical testing. Allele origin: germline.
Comment: The PRKD1 c.914A>G variant is predicted to result in the amino acid substitution p.Gln305Arg. To our knowledge, this variant has not been reported in the literature or in a large population database, indicating this variant is rare. At this time, the clinical significance of this variant is uncertain due to the absence of conclusive functional and genetic evidence.